The following is an entry in ClinVar:

NM_002439.5(MSH3):c.775T>C (p.Phe259Leu)

Gene: MSH3 (mutS homolog 3; plus strand). Cytogenetic location: 5q14.1.
Variant type: single nucleotide variant.
Coding change: c.775T>C on transcript NM_002439.5 (MANE Select); coding-DNA position 775, T replaced by C.
Protein change: p.Phe259Leu; replaces phenylalanine 259 with leucine.
Molecular consequence: missense variant.
Genome position (GRCh38, 1-based): chr5:80,670,292, T>C. VCF-style: chr5-80670292-T-C. GRCh37 (hg19) VCF-style: chr5-79966111-T-C.
Other names: short protein forms F259L.
Identifiers: ClinVar variation 1760495 (VCV001760495.3), dbSNP rs1749675919, ClinGen allele CA360266999.

ClinVar aggregate classification (germline): Uncertain significance (1 of 4 stars; one submission).

Conditions:
Hereditary cancer-predisposing syndrome. Also called: Neoplastic Syndromes, Hereditary; Tumor predisposition; Hereditary Cancer Syndrome; Hereditary neoplastic syndrome. Identifiers: Orphanet 140162, MedGen C0027672, MeSH D009386, MONDO:0015356.

Allele frequency attached by ClinVar (database versions not stated): gnomAD exomes below 0.00001.
gnomAD v4.1: 1 of 1,614,146 alleles (0.000062%); highest among the groups gnomAD compares: Non-Finnish European, 0.000085%; no homozygotes.

Submission:

Ambry Genetics
Classification: Uncertain significance for Hereditary cancer-predisposing syndrome. Last evaluated: 2025-03-05. Review status: criteria provided, single submitter. Criteria: Ambry Variant Classification Scheme 2023. Collection method: clinical testing. Allele origin: germline.
Comment: The p.F259L variant (also known as c.775T>C), located in coding exon 4 of the MSH3 gene, results from a T to C substitution at nucleotide position 775. The phenylalanine at codon 259 is replaced by leucine, an amino acid with highly similar properties. This amino acid position is highly conserved in available vertebrate species. In addition, this alteration is predicted to be deleterious by in silico analysis. Since supporting evidence is limited at this time, the clinical significance of this alteration remains unclear.